The following is an entry in ClinVar:

NM_000059.4(BRCA2):c.4539T>A (p.Asp1513Glu)

Gene: BRCA2 (BRCA2 DNA repair associated; plus strand). Cytogenetic location: 13q13.1.
Variant type: single nucleotide variant.
Coding change: c.4539T>A on transcript NM_000059.4 (MANE Select); coding-DNA position 4539, T replaced by A.
Protein change: p.Asp1513Glu; replaces aspartic acid 1513 with glutamic acid.
Molecular consequence: missense variant.
Genome position (GRCh38, 1-based): chr13:32,338,894, T>A. VCF-style: chr13-32338894-T-A. GRCh37 (hg19) VCF-style: chr13-32913031-T-A.
Other names: short protein forms D1513E.
Identifiers: ClinVar variation 51665 (VCV000051665.7), dbSNP rs80358688, ClinGen allele CA020372.

ClinVar aggregate classification (germline): Conflicting classifications of pathogenicity. Review status: criteria provided, conflicting classifications (1 of 4 stars). 5 submissions from 5 submitters: Uncertain significance (2); Likely benign (2). 1 of the submissions does not count toward it. Last evaluated 2025-10-27.

Conditions:
Hereditary cancer-predisposing syndrome. Also called: Neoplastic Syndromes, Hereditary; Tumor predisposition; Hereditary Cancer Syndrome; Hereditary neoplastic syndrome. Identifiers: Orphanet 140162, MedGen C0027672, MeSH D009386, MONDO:0015356.
Hereditary breast ovarian cancer syndrome. Also called: Hereditary breast and ovarian cancer syndrome; Hereditary breast and ovarian cancer; Hereditary breast and ovarian cancer syndrome (HBOC); Breast and ovarian cancer; Hereditary breast and/or ovarian cancer syndrome; BRCA1- and BRCA2-Associated Hereditary Breast and Ovarian Cancer. Identifiers: Orphanet 145, MedGen C0677776, MeSH D061325, MONDO:0003582. Disease mechanism: loss of function.
Breast-ovarian cancer, familial, susceptibility to, 2 (BROVCA2). Also called: BRCA2 Hereditary Breast and Ovarian Cancer. Identifiers: Orphanet 145, MedGen C2675520, MONDO:0012933, OMIM 612555. Disease mechanism: loss of function.

Submissions (5):

Labcorp Genetics (formerly Invitae), Labcorp
Classification: Uncertain significance for Hereditary breast ovarian cancer syndrome. Last evaluated: 2025-10-27. Review status: criteria provided, single submitter. Criteria: Invitae Variant Classification Sherloc (09022015). Collection method: clinical testing. Allele origin: germline.
Comment: This sequence change replaces aspartic acid, which is acidic and polar, with glutamic acid, which is acidic and polar, at codon 1513 of the BRCA2 protein (p.Asp1513Glu). This variant is not present in population databases (gnomAD no frequency). This variant has not been reported in the literature in individuals affected with BRCA2-related conditions. ClinVar contains an entry for this variant (Variation ID: 51665). Invitae Evidence Modeling of protein sequence and biophysical properties (such as structural, functional, and spatial information, amino acid conservation, physicochemical variation, residue mobility, and thermodynamic stability) indicates that this missense variant is not expected to disrupt BRCA2 protein function with a negative predictive value of 95%. In summary, the available evidence is currently insufficient to determine the role of this variant in disease. Therefore, it has been classified as a Variant of Uncertain Significance.

Color Diagnostics, LLC DBA Color Health
Classification: Uncertain significance for Hereditary cancer-predisposing syndrome. Last evaluated: 2023-12-04. Review status: criteria provided, single submitter. Criteria: ACMG Guidelines, 2015. Collection method: clinical testing. Allele origin: germline.
Comment: This missense variant replaces aspartic acid with glutamic acid at codon 1513 of the BRCA2 protein. Computational prediction suggests that this variant may not impact protein structure and function. To our knowledge, functional studies have not been reported for this variant. This variant has not been reported in individuals affected with BRCA2-related disorders in the literature. This variant has not been identified in the general population by the Genome Aggregation Database (gnomAD). The available evidence is insufficient to determine the role of this variant in disease conclusively. Therefore, this variant is classified as a Variant of Uncertain Significance.

University of Washington Department of Laboratory Medicine, University of Washington
Classification: Likely benign for Hereditary cancer-predisposing syndrome. Last evaluated: 2023-03-23. Review status: criteria provided, single submitter. Criteria: Dines et al. (Genet Med. 2020). Collection method: curation. Allele origin: germline.
Comment: Missense variant in a coldspot region where missense variants are very unlikely to be pathogenic (PMID:31911673).

BRCA2 exon 11 coldspot. Reclassification based on statistical prior probability.

Ambry Genetics
Classification: Likely benign for Hereditary cancer-predisposing syndrome. Last evaluated: 2015-10-21. Review status: criteria provided, single submitter. Criteria: Ambry Variant Classification Scheme 2023. Collection method: clinical testing. Allele origin: germline.

Breast Cancer Information Core (BIC) (BRCA2)
Classification: Uncertain significance for Breast-ovarian cancer, familial 2. Last evaluated: 2004-02-20. Review status: no assertion criteria provided. Collection method: clinical testing. Allele origin: germline. Affected: yes. Observed: 1 variant allele. Not counted in ClinVar's aggregate classification.